The following is an entry in ClinVar:

NM_001606.5(ABCA2):c.1648A>G (p.Ser550Gly)

Gene: ABCA2 (ATP binding cassette subfamily A member 2; minus strand). Cytogenetic location: 9q34.3.
Variant type: single nucleotide variant.
Coding change: c.1648A>G on transcript NM_001606.5 (MANE Select); coding-DNA position 1648, A replaced by G.
Protein change: p.Ser550Gly; replaces serine 550 with glycine.
Molecular consequence: missense variant.
Genome position (GRCh38, 1-based): chr9:137,018,977, T>C on the plus strand (A>G on the coding strand, the complement: ABCA2 is on the minus strand). VCF-style: chr9-137018977-T-C. GRCh37 (hg19) VCF-style: chr9-139913429-T-C.
Other names: c.1645A>G, p.Ser549Gly (NM_001411042.1); c.1738A>G, p.Ser580Gly (NM_212533.3); short protein forms S580G, S549G, S550G.
Identifiers: ClinVar variation 4055817 (VCV004055817.2).

ClinVar aggregate classification (germline): Uncertain significance (1 of 4 stars; one submission).

gnomAD v4.1: 8 of 1,612,998 alleles (0.0005%); highest among the groups gnomAD compares: South Asian, 0.0022%; no homozygotes.

Submission:

GeneDx
Classification: Uncertain significance. Last evaluated: 2026-08-26. Review status: criteria provided, single submitter. Criteria: GeneDx Variant Classification Process June 2021. Collection method: clinical testing. Allele origin: germline.
Comment: Not observed at significant frequency in large population cohorts (gnomAD); In silico analysis suggests that this missense variant does not alter protein structure/function; Has not been previously published as pathogenic or benign to our knowledge